The following is an entry in ClinVar:

ClinVar aggregate classification (germline): Benign/Likely benign. Review status: criteria provided, multiple submitters, no conflicts (2 of 4 stars). 6 submissions from 6 submitters: Benign (4); Likely benign (2). Last evaluated 2026-01-11.

Conditions:
Cardiovascular phenotype. Identifiers: MedGen CN230736.
Osteogenesis imperfecta type I (OI1). Also called: Lobstein's Disease; Lobstein disease; OI, TYPE I; OSTEOGENESIS IMPERFECTA TARDA; OSTEOGENESIS IMPERFECTA WITH BLUE SCLERAE; Osteogenesis imperfecta type 1. Identifiers: Orphanet 216796, Orphanet 666, MedGen C0023931, MONDO:0008146, OMIM 166200. Disease mechanism: loss of function.
Ehlers-Danlos syndrome, classic type, 1 (EDSCL1). Also called: Ehlers-Danlos syndrome, type 1; Ehlers-Danlos Syndrome, Classic Type, COL5A1-Related; EDS I; EHLERS-DANLOS SYNDROME, GRAVIS TYPE; EHLERS-DANLOS SYNDROME, SEVERE CLASSIC TYPE. Identifiers: MedGen C0268335, MONDO:0019567, OMIM 130000.

Allele frequency attached by ClinVar (database versions not stated): TOPMed 0.00022; ESP Exome Variant Server 0.00038; 1000 Genomes Project 30x 0.00078; 1000 Genomes Project 0.00080; gnomAD 0.00108 and 0.00113; gnomAD exomes 0.00179; ExAC 0.00188.
gnomAD v4.1: 1,382 of 1,613,990 alleles (0.086%); highest among the groups gnomAD compares: Non-Finnish European, 0.034%; 9 homozygotes.

Submissions (11):

Labcorp Genetics (formerly Invitae), Labcorp
Classification: Benign for Osteogenesis imperfecta type I; Ehlers-Danlos syndrome, classic type, 1. Last evaluated: 2026-01-11. Review status: criteria provided, single submitter. Criteria: Invitae Variant Classification Sherloc (09022015). Collection method: clinical testing. Allele origin: germline.

Blueprint Genetics
Classification: Likely benign. Last evaluated: 2024-11-27. Review status: criteria provided, single submitter. Criteria: ACMG Guidelines, 2015. Collection method: clinical testing. Allele origin: germline.

CeGaT Center for Human Genetics Tuebingen
Classification: Likely benign. Last evaluated: 2021-07-01. Review status: criteria provided, single submitter. Criteria: CeGaT Center For Human Genetics Tuebingen Variant Classification Criteria Version 2. Collection method: clinical testing. Allele origin: germline. Affected: yes. Observed: 1 variant allele.

ARUP Laboratories, Molecular Genetics and Genomics, ARUP Laboratories
Classification: Benign. Last evaluated: 2020-04-06. Review status: criteria provided, single submitter. Criteria: ARUP Molecular Germline Variant Investigation Process. Collection method: clinical testing. Allele origin: germline.

Ambry Genetics
Classification: Benign for Cardiovascular phenotype. Last evaluated: 2020-01-22. Review status: criteria provided, single submitter. Criteria: Ambry Variant Classification Scheme 2023. Collection method: clinical testing. Allele origin: germline.

GeneDx
Classification: Benign. Last evaluated: 2018-04-30. Review status: criteria provided, single submitter. Criteria: GeneDx Variant Classification (06012015). Collection method: clinical testing. Allele origin: germline. Affected: yes.
Comment: This variant is considered likely benign or benign based on one or more of the following criteria: it is a conservative change, it occurs at a poorly conserved position in the protein, it is predicted to be benign by multiple in silico algorithms, and/or has population frequency not consistent with disease.

Dr. Peter K. Rogan Lab, Western University
No classification provided (evidence only). Condition: Uterine corpus endometrial carcinoma. Review status: no classification provided. Collection method: in vitro. Allele origin: not applicable. Functional consequence: retained intron. Not counted in ClinVar's aggregate classification.

Dr. Peter K. Rogan Lab, Western University
No classification provided (evidence only). Condition: Sarcoma. Review status: no classification provided. Collection method: in vitro. Allele origin: not applicable. Functional consequence: retained intron. Not counted in ClinVar's aggregate classification.

Dr. Peter K. Rogan Lab, Western University
No classification provided (evidence only). Condition: Sarcoma. Review status: no classification provided. Collection method: in vitro. Allele origin: not applicable. Functional consequence: retained intron. Not counted in ClinVar's aggregate classification.

Dr. Peter K. Rogan Lab, Western University
No classification provided (evidence only). Condition: Hepatocellular carcinoma. Review status: no classification provided. Collection method: in vitro. Allele origin: not applicable. Functional consequence: retained intron. Not counted in ClinVar's aggregate classification.

Dr. Peter K. Rogan Lab, Western University
No classification provided (evidence only). Condition: Ovarian serous cystadenocarcinoma. Review status: no classification provided. Collection method: in vitro. Allele origin: not applicable. Functional consequence: retained intron. Not counted in ClinVar's aggregate classification.

NM_000089.4(COL1A2):c.582T>G (p.Ala194=)

Gene: COL1A2 (collagen type I alpha 2 chain; plus strand). Cytogenetic location: 7q21.3.
Variant type: single nucleotide variant.
Coding change: c.582T>G on transcript NM_000089.4 (MANE Select); coding-DNA position 582, T replaced by G.
Protein change: p.Ala194=; no amino-acid change (alanine 194 retained).
Molecular consequence: synonymous variant.
Genome position (GRCh38, 1-based): chr7:94,406,291, T>G. VCF-style: chr7-94406291-T-G. GRCh37 (hg19) VCF-style: chr7-94035603-T-G.
Identifiers: ClinVar variation 669534 (VCV000669534.55), dbSNP rs144540908, ClinGen allele CA4346717.